The following is an entry in ClinVar:

ClinVar aggregate classification (germline): Conflicting classifications of pathogenicity. Review status: criteria provided, conflicting classifications (1 of 4 stars). 7 submissions from 7 submitters: Pathogenic (5); Likely pathogenic (1); Uncertain significance (1). Last evaluated 2024-11-04.

Conditions:
Maple syrup urine disease type 1B (MSUD1B). Also called: MSUD type IB; MSUD type 3 (formerly); MSUD due to deficiency of e1-beta subunit of branched-chain alpha-keto acid dehydrogenase complex. Identifiers: MedGen C2930990, MONDO:0023692, OMIM 620698.
Maple syrup urine disease (MSUD). Identifiers: Orphanet 511, MedGen C0024776, MeSH D008375, MONDO:0009563. Disease mechanism: loss of function.

Allele frequency attached by ClinVar (database versions not stated): gnomAD exomes 0.00001; gnomAD 0.00004 and 0.00003; TOPMed 0.00002.
gnomAD v4.1: 13 of 1,613,944 alleles (0.00081%); highest among the groups gnomAD compares: Admixed American, 0.0067%; no homozygotes.

Submissions (7):

Natera, Inc.
Classification: Pathogenic for Maple syrup urine disease type 1B. Last evaluated: 2024-11-04. Review status: criteria provided, single submitter. Criteria: Natera Variant Classification Schema (03/2026). Collection method: clinical testing. Allele origin: germline.
Comment: The c.502C>T variant in BCKDHB is a missense variant predicted to cause substitution of arginine to cysteine at amino acid 168. This variant is rare in the general population with a frequency below the threshold expected for the associated phenotype(s). This variant has been observed in one or more individuals affected with the associated recessive disease, as either homozygous or compound heterozygous with a second variant (PMID: 28417071, 37421976). A different variant at the same position has been determined to be Pathogenic or Likely Pathogenic. Computational prediction algorithms indicate this variant is likely to affect gene or protein function. Given the available evidence, this variant is classified as Pathogenic.

Fulgent Genetics
Classification: Likely pathogenic for Maple syrup urine disease type 1B. Last evaluated: 2024-02-26. Review status: criteria provided, single submitter. Criteria: ACMG Guidelines, 2015. Collection method: clinical testing. Allele origin: germline.

Labcorp Genetics (formerly Invitae), Labcorp
Classification: Pathogenic for Maple syrup urine disease. Last evaluated: 2023-06-27. Review status: criteria provided, single submitter. Criteria: Invitae Variant Classification Sherloc (09022015). Collection method: clinical testing. Allele origin: germline.
Comment: For these reasons, this variant has been classified as Pathogenic. This variant disrupts the p.Arg168 amino acid residue in BCKDHB. Other variant(s) that disrupt this residue have been determined to be pathogenic (PMID: 16786533, 26232051, 28197878). This suggests that this residue is clinically significant, and that variants that disrupt this residue are likely to be disease-causing. Advanced modeling of protein sequence and biophysical properties (such as structural, functional, and spatial information, amino acid conservation, physicochemical variation, residue mobility, and thermodynamic stability) performed at Invitae indicates that this missense variant is expected to disrupt BCKDHB protein function. ClinVar contains an entry for this variant (Variation ID: 96586). This missense change has been observed in individuals with maple syrup urine disease (MSUD) (PMID: 17922217, 24770567, 28417071, 29740775). This variant is present in population databases (rs398124579, gnomAD 0.0009%). This sequence change replaces arginine, which is basic and polar, with cysteine, which is neutral and slightly polar, at codon 168 of the BCKDHB protein (p.Arg168Cys).

Genome-Nilou Lab
Classification: Pathogenic for Maple syrup urine disease type 1A. Last evaluated: 2021-11-07. Review status: criteria provided, single submitter. Criteria: ACMG Guidelines, 2015. Collection method: clinical testing. Allele origin: germline. Affected: no.

Women's Health and Genetics/Laboratory Corporation of America, LabCorp
Classification: Pathogenic for Maple syrup urine disease. Last evaluated: 2021-09-03. Review status: criteria provided, single submitter. Criteria: LabCorp Variant Classification Summary - May 2015. Collection method: clinical testing. Allele origin: germline.
Comment: Variant summary: BCKDHB c.502C>T (p.Arg168Cys) results in a non-conservative amino acid change located in the Transketolase-like, pyrimidine-binding domain of the encoded protein sequence. Five of five in-silico tools predict a damaging effect of the variant on protein function. The variant allele was found at a frequency of 8e-06 in 251420 control chromosomes. c.502C>T has been reported in the literature in multiple individuals affected with Maple Syrup Urine Disease (Flaschker_2007, Feier_2016, Imtiaz_2017, Tanacan_2019, Li_2019). These data indicate that the variant is very likely to be associated with disease. To our knowledge, no experimental evidence demonstrating an impact on protein function has been reported. Another variant at the same amino acid position has been reported as pathogenic in Clinvar (R168H). Three clinical diagnostic laboratories have submitted clinical-significance assessments for this variant to ClinVar after 2014 without evidence for independent evaluation; two classified as pathogenic while one classified as VUS. Based on the evidence outlined above, the variant was classified as pathogenic.

CeGaT Center for Human Genetics Tuebingen
Classification: Pathogenic. Last evaluated: 2017-07-01. Review status: criteria provided, single submitter. Criteria: CeGaT Center For Human Genetics Tuebingen Variant Classification Criteria Version 2. Collection method: clinical testing. Allele origin: germline. Affected: yes. Observed: 1 variant allele.

Eurofins Ntd Llc (ga)
Classification: Uncertain significance. Last evaluated: 2015-03-25. Review status: criteria provided, single submitter. Criteria: EGL Classification Definitions 2015. Collection method: clinical testing. Allele origin: germline. Observed: 2 variant alleles, 2 heterozygotes.

Literature cited by the submitters: PubMed 28417071 (cited by 3 submitters); PubMed 37421976 (cited by Natera, Inc.); PubMed 16786533 (cited by Labcorp Genetics (formerly Invitae), Labcorp); PubMed 26232051 (cited by Labcorp Genetics (formerly Invitae), Labcorp); PubMed 28197878 (cited by Labcorp Genetics (formerly Invitae), Labcorp); PubMed 17922217 (cited by Labcorp Genetics (formerly Invitae), Labcorp and Women's Health and Genetics/Laboratory Corporation of America, LabCorp); PubMed 24770567 (cited by Labcorp Genetics (formerly Invitae), Labcorp); PubMed 29740775 (cited by Labcorp Genetics (formerly Invitae), Labcorp); PubMed 26786177 (cited by Women's Health and Genetics/Laboratory Corporation of America, LabCorp); PubMed 31610500 (cited by Women's Health and Genetics/Laboratory Corporation of America, LabCorp); PubMed 31523617 (cited by Women's Health and Genetics/Laboratory Corporation of America, LabCorp).

NM_183050.4(BCKDHB):c.502C>T (p.Arg168Cys)

Gene: BCKDHB (branched chain keto acid dehydrogenase E1 subunit beta; plus strand). Cytogenetic location: 6q14.1.
Variant type: single nucleotide variant.
Coding change: c.502C>T on transcript NM_183050.4 (MANE Select); coding-DNA position 502, C replaced by T.
Protein change: p.Arg168Cys; replaces arginine 168 with cysteine.
Molecular consequence: missense variant. On other transcripts: non-coding transcript variant (1).
Genome position (GRCh38, 1-based): chr6:80,168,899, C>T. VCF-style: chr6-80168899-C-T. GRCh37 (hg19) VCF-style: chr6-80878616-C-T.
Other names: c.502C>T, p.Arg168Cys (NM_000056.5); c.292C>T, p.Arg98Cys (NM_001318975.1); short protein forms R168C, R98C.
Identifiers: ClinVar variation 96586 (VCV000096586.57), dbSNP rs398124579, ClinGen allele CA224289.